The following is an entry in ClinVar:

NM_001164508.2(NEB):c.17874A>T (p.Gln5958His)

Gene: NEB (nebulin; minus strand). Cytogenetic location: 2q23.3.
Variant type: single nucleotide variant.
Coding change: c.17874A>T on transcript NM_001164508.2 (MANE Select); coding-DNA position 17874, A replaced by T.
Protein change: p.Gln5958His; replaces glutamine 5958 with histidine.
Molecular consequence: missense variant.
Genome position (GRCh38, 1-based): chr2:151,567,450, T>A on the plus strand (A>T on the coding strand, the complement: NEB is on the minus strand). VCF-style: chr2-151567450-T-A. GRCh37 (hg19) VCF-style: chr2-152423964-T-A.
Other names: c.17874A>T, p.Gln5958His (NM_001164507.2, NM_001271208.2); c.12771A>T, p.Gln4257His (NM_004543.5); short protein forms Q4257H, Q5958H.
Identifiers: ClinVar variation 1694970 (VCV001694970.31), dbSNP rs2153740204, ClinGen allele CA348804051.

ClinVar aggregate classification (germline): Uncertain significance (1 of 4 stars; one submission).

gnomAD v4.1: 2 of 1,612,576 alleles (0.00012%); highest among the groups gnomAD compares: Non-Finnish European, 0.00017%; no homozygotes.

Submission:

CeGaT Center for Human Genetics Tuebingen
Classification: Uncertain significance. Last evaluated: 2022-05-01. Review status: criteria provided, single submitter. Criteria: CeGaT Center For Human Genetics Tuebingen Variant Classification Criteria Version 2. Collection method: clinical testing. Allele origin: germline. Affected: yes. Observed: 1 variant allele.
Comment: NEB: PM2